The following is an entry in ClinVar:

NM_015267.4(CUX2):c.793G>C (p.Glu265Gln)

Gene: CUX2 (cut like homeobox 2; plus strand). Cytogenetic location: 12q24.12.
Variant type: single nucleotide variant.
Coding change: c.793G>C on transcript NM_015267.4 (MANE Select); coding-DNA position 793, G replaced by C.
Protein change: p.Glu265Gln; replaces glutamic acid 265 with glutamine.
Molecular consequence: missense variant.
Genome position (GRCh38, 1-based): chr12:111,304,249, G>C. VCF-style: chr12-111304249-G-C. GRCh37 (hg19) VCF-style: chr12-111742053-G-C.
Other names: c.607G>C, p.Glu203Gln (NM_001370598.1); short protein forms E203Q, E265Q.
Identifiers: ClinVar variation 4681895 (VCV004681895.5).

ClinVar aggregate classification (germline): Uncertain significance (1 of 4 stars; one submission).

Submission:

CeGaT Center for Human Genetics Tuebingen
Classification: Uncertain significance. Last evaluated: 2025-12-01. Review status: criteria provided, single submitter. Criteria: CeGaT Center For Human Genetics Tuebingen Variant Classification Criteria Version 2. Collection method: clinical testing. Allele origin: germline. Affected: yes. Observed: 1 variant allele.
Comment: CUX2: PM2